The following is an entry in ClinVar:

NM_020831.6(MRTFA):c.2873C>T (p.Pro958Leu)

Gene: MRTFA (myocardin related transcription factor A; minus strand). Cytogenetic location: 22q13.1.
Variant type: single nucleotide variant.
Coding change: c.2873C>T on transcript NM_020831.6 (MANE Select); coding-DNA position 2873, C replaced by T.
Protein change: p.Pro958Leu; replaces proline 958 with leucine.
Molecular consequence: missense variant. On other transcripts: 3 prime UTR variant (1).
Genome position (GRCh38, 1-based): chr22:40,411,613, G>A on the plus strand (C>T on the coding strand, the complement: MRTFA is on the minus strand). VCF-style: chr22-40411613-G-A. GRCh37 (hg19) VCF-style: chr22-40807617-G-A.
Other names: c.2573C>T, p.Pro858Leu (NM_001282660.2); c.2723C>T, p.Pro908Leu (NM_001282661.3); c.*186C>T (NM_001282662.3); c.2678C>T, p.Pro893Leu (NM_001318139.2); c.2573C>T (NM_020831.3); short protein forms P893L, P958L, P858L, P908L.
Identifiers: ClinVar variation 2197614 (VCV002197614.5), dbSNP rs143437226, ClinGen allele CA10249203.

ClinVar aggregate classification (germline): Uncertain significance. Review status: criteria provided, multiple submitters, no conflicts (2 of 4 stars). 2 submissions from 2 submitters: Uncertain significance (2). Last evaluated 2026-01-21.

Allele frequency attached by ClinVar (database versions not stated): ExAC 0.00012; gnomAD 0.00025; TOPMed 0.00030; ESP Exome Variant Server 0.00038.

Submissions (2):

Labcorp Genetics (formerly Invitae), Labcorp
Classification: Uncertain significance. Last evaluated: 2026-01-21. Review status: criteria provided, single submitter. Criteria: Invitae Variant Classification Sherloc (09022015). Collection method: clinical testing. Allele origin: germline.
Comment: This sequence change replaces proline, which is neutral and non-polar, with leucine, which is neutral and non-polar, at codon 858 of the MKL1 protein (p.Pro858Leu). This variant is present in population databases (rs143437226, gnomAD 0.1%), and has an allele count higher than expected for a pathogenic variant. This variant has not been reported in the literature in individuals affected with MKL1-related conditions. ClinVar contains an entry for this variant (Variation ID: 2197614). An algorithm developed to predict the effect of missense changes on protein structure and function (PolyPhen-2) suggests that this variant is likely to be disruptive. In summary, the available evidence is currently insufficient to determine the role of this variant in disease. Therefore, it has been classified as a Variant of Uncertain Significance.

Ambry Genetics
Classification: Uncertain significance. Last evaluated: 2024-01-09. Review status: criteria provided, single submitter. Criteria: Ambry Variant Classification Scheme 2023. Collection method: clinical testing. Allele origin: germline.